The following is an entry in ClinVar:

NM_001010892.3(RSPH4A):c.921+2T>C

Gene: RSPH4A (radial spoke head component 4A; plus strand). Cytogenetic location: 6q22.1.
Variant type: single nucleotide variant.
Coding change: c.921+2T>C on transcript NM_001010892.3 (MANE Select); the canonical splice donor site of the intron after coding-DNA position 921, T replaced by C.
Molecular consequence: splice donor variant.
Genome position (GRCh38, 1-based): chr6:116,623,004, T>C. VCF-style: chr6-116623004-T-C. GRCh37 (hg19) VCF-style: chr6-116944167-T-C.
Other names: c.921+2T>C (NM_001161664.2).
Identifiers: ClinVar variation 3013770 (VCV003013770.3), dbSNP rs1406268554, ClinGen allele CA365400876.

ClinVar aggregate classification (germline): Likely pathogenic (1 of 4 stars; one submission).

Conditions:
Primary ciliary dyskinesia. Also called: Ciliary dyskinesia. Identifiers: Orphanet 244, MedGen C0008780, MONDO:0016575, HP:0012265.

Allele frequency attached by ClinVar (database versions not stated): gnomAD exomes 0.00001.
gnomAD v4.1: 11 of 1,541,764 alleles (0.00071%); highest among the groups gnomAD compares: Non-Finnish European, 0.0009%; no homozygotes.

Submission:

Labcorp Genetics (formerly Invitae), Labcorp
Classification: Likely pathogenic for Primary ciliary dyskinesia. Last evaluated: 2025-09-21. Review status: criteria provided, single submitter. Criteria: Invitae Variant Classification Sherloc (09022015). Collection method: clinical testing. Allele origin: germline.
Comment: This sequence change affects a donor splice site in intron 2 of the RSPH4A gene. It is expected to disrupt RNA splicing. Variants that disrupt the donor or acceptor splice site typically lead to a loss of protein function (PMID: 16199547), and loss-of-function variants in RSPH4A are known to be pathogenic (PMID: 19200523). This variant is present in population databases (no rsID available, gnomAD no frequency). Disruption of this splice site has been observed in individual(s) with clinical features of RSPH4A-related conditions (internal data). ClinVar contains an entry for this variant (Variation ID: 3013770). Algorithms developed to predict the effect of sequence changes on RNA splicing suggest that this variant may disrupt the consensus splice site. In summary, the currently available evidence indicates that the variant is pathogenic, but additional data are needed to prove that conclusively. Therefore, this variant has been classified as Likely Pathogenic.

Literature cited by the submitters: PubMed 16199547; PubMed 19200523.